The following is an entry in ClinVar:

NM_080916.3(DGUOK):c.143-10T>G

Gene: DGUOK (deoxyguanosine kinase; plus strand). Cytogenetic location: 2p13.1.
Variant type: single nucleotide variant.
Coding change: c.143-10T>G on transcript NM_080916.3 (MANE Select); 10 bases into the intron before coding-DNA position 143, T replaced by G.
Molecular consequence: intron variant.
Genome position (GRCh38, 1-based): chr2:73,938,900, T>G. VCF-style: chr2-73938900-T-G. GRCh37 (hg19) VCF-style: chr2-74166027-T-G.
Other names: c.-37+6217T>G (NM_001318861.2, NM_001318862.2); c.143-10T>G (NM_080918.3, NM_001318859.2); c.-36-7819T>G (NM_001318860.2, NM_001318863.2).
Identifiers: ClinVar variation 2019476 (VCV002019476.4), dbSNP rs2466997614, ClinGen allele CA2580068224.

ClinVar aggregate classification (germline): Uncertain significance (1 of 4 stars; one submission).

gnomAD v4.1: 1 of 1,591,868 alleles (0.000063%); highest among the groups gnomAD compares: East Asian, 0.0022%; no homozygotes.

Submission:

Labcorp Genetics (formerly Invitae), Labcorp
Classification: Uncertain significance. Last evaluated: 2023-07-17. Review status: criteria provided, single submitter. Criteria: Invitae Variant Classification Sherloc (09022015). Collection method: clinical testing. Allele origin: germline.
Comment: ClinVar contains an entry for this variant (Variation ID: 2019476). This variant has not been reported in the literature in individuals affected with DGUOK-related conditions. This variant is not present in population databases (gnomAD no frequency). This sequence change falls in intron 1 of the DGUOK gene. It does not directly change the encoded amino acid sequence of the DGUOK protein. Algorithms developed to predict the effect of sequence changes on RNA splicing suggest that this variant may disrupt the consensus splice site. In summary, the available evidence is currently insufficient to determine the role of this variant in disease. Therefore, it has been classified as a Variant of Uncertain Significance.